The following is an entry in ClinVar:

NM_014000.3(VCL):c.69G>A (p.Leu23=)

Genes: VCL (vinculin; plus strand), LOC130004109 (ATAC-STARR-seq lymphoblastoid active region 3587; plus strand). Cytogenetic location: 10q22.2.
Variant type: single nucleotide variant.
Coding change: c.69G>A on transcript NM_014000.3 (MANE Select); coding-DNA position 69, G replaced by A.
Protein change: p.Leu23=; no amino-acid change (leucine 23 retained).
Molecular consequence: synonymous variant.
Genome position (GRCh38, 1-based): chr10:73,998,276, G>A. VCF-style: chr10-73998276-G-A. GRCh37 (hg19) VCF-style: chr10-75758034-G-A.
Other names: c.69G>A, p.Leu23= (NM_003373.4).
Identifiers: ClinVar variation 1756573 (VCV001756573.3), dbSNP rs1591641692, ClinGen allele CA470163654.

ClinVar aggregate classification (germline): Conflicting classifications of pathogenicity. Review status: criteria provided, conflicting classifications (1 of 4 stars). 2 submissions from 2 submitters: Uncertain significance (1); Likely benign (1). Last evaluated 2025-06-30.

Conditions:
Cardiovascular phenotype. Identifiers: MedGen CN230736.

gnomAD v4.1: 9 of 1,610,826 alleles (0.00056%); highest among the groups gnomAD compares: Non-Finnish European, 0.00076%; no homozygotes.

Submissions (2):

GeneDx
Classification: Uncertain significance. Last evaluated: 2025-06-30. Review status: criteria provided, single submitter. Criteria: GeneDx Variant Classification Process June 2021. Collection method: clinical testing. Allele origin: germline. Affected: yes.
Comment: Not observed at significant frequency in large population cohorts (gnomAD); In silico analysis suggests that this variant does not alter splicing; Has not been previously published as pathogenic or benign to our knowledge

Ambry Genetics
Classification: Likely benign for Cardiovascular phenotype. Last evaluated: 2021-04-21. Review status: criteria provided, single submitter. Criteria: Ambry Variant Classification Scheme 2023. Collection method: clinical testing. Allele origin: germline.